The following is an entry in ClinVar:

ClinVar aggregate classification (germline): Conflicting classifications of pathogenicity. Review status: criteria provided, conflicting classifications (1 of 4 stars). 2 submissions from 2 submitters: Uncertain significance (1); Likely benign (1). Last evaluated 2022-04-01.

Conditions:
Mitochondrial DNA depletion syndrome 13. Also called: FBXL4-Related Encephalomyopathic Mitochondrial DNA Depletion Syndrome; Mitochondrial DNA depletion syndrome 13 (encephalomyopathic type). Identifiers: Orphanet 369897, MedGen C3809592, MONDO:0014198, OMIM 615471.

Allele frequency attached by ClinVar (database versions not stated): gnomAD exomes below 0.00001 and 0.00001; TOPMed below 0.00001; ExAC 0.00001.
gnomAD v4.1: 9 of 1,613,942 alleles (0.00056%); highest among the groups gnomAD compares: Non-Finnish European, 0.00076%; no homozygotes.

Submissions (2):

Labcorp Genetics (formerly Invitae), Labcorp
Classification: Likely benign. Last evaluated: 2022-04-01. Review status: criteria provided, single submitter. Criteria: Invitae Variant Classification Sherloc (09022015). Collection method: clinical testing. Allele origin: germline.

Wong Mito Lab, Molecular and Human Genetics, Baylor College of Medicine
Classification: Uncertain significance for Mitochondrial DNA depletion syndrome 13. Last evaluated: 2017-08-10. Review status: criteria provided, single submitter. Criteria: ACMG Guidelines, 2015. Collection method: reference population. Allele origin: germline.
Comment: The NM_012160.4:c.954G>A (NP_036292.2:p.Leu318=) [GRCH38: NC_000006.12:g.98905575C>T] variant in FBXL4 gene is interpretated to be a Uncertain Significance - Conflicting Evidence based on ACMG guidelines (PMID: 25741868). This variant meets one or more of the following evidence codes reported in the ACMG-guideline. PM2:This variant is absent in key population databases. BP4:Computational evidence/predictors indicate no impact on the FBXL4 structure, function, or protein-protein interaction. BP7:The variant is silent with non predicted splice impact. Based on this evidence code ClinGen Pathogenicity Calculator (PMID:28081714) suggested that the variant is Uncertain Significance - Conflicting Evidence.

NM_001278716.2(FBXL4):c.954G>A (p.Leu318=)

Gene: FBXL4 (F-box and leucine rich repeat protein 4; minus strand). Cytogenetic location: 6q16.2.
Variant type: single nucleotide variant.
Coding change: c.954G>A on transcript NM_001278716.2 (MANE Select); coding-DNA position 954, G replaced by A.
Protein change: p.Leu318=; no amino-acid change (leucine 318 retained).
Molecular consequence: synonymous variant. On other transcripts: non-coding transcript variant (2).
Genome position (GRCh38, 1-based): chr6:98,905,575, C>T on the plus strand (G>A on the coding strand, the complement: FBXL4 is on the minus strand). VCF-style: chr6-98905575-C-T. GRCh37 (hg19) VCF-style: chr6-99353451-C-T.
Other names: c.954G>A, p.Leu318= (NM_012160.5).
Identifiers: ClinVar variation 437665 (VCV000437665.5), dbSNP rs762811521, ClinGen allele CA3933574.